The following is an entry in ClinVar:

NM_001035.3(RYR2):c.11954T>A (p.Met3985Lys)

Gene: RYR2 (ryanodine receptor 2; plus strand). Cytogenetic location: 1q43.
Variant type: single nucleotide variant.
Coding change: c.11954T>A on transcript NM_001035.3 (MANE Select); coding-DNA position 11954, T replaced by A.
Protein change: p.Met3985Lys; replaces methionine 3985 with lysine.
Molecular consequence: missense variant.
Genome position (GRCh38, 1-based): chr1:237,781,638, T>A. VCF-style: chr1-237781638-T-A. GRCh37 (hg19) VCF-style: chr1-237944938-T-A.
Other names: short protein forms M3985K.
Identifiers: ClinVar variation 4800114 (VCV004800114.1), dbSNP rs794728827.
Genomic context (GRCh38, chr1:237,781,638, plus strand): 5'-TTGAGCTATTAAAAGAATTAATGGATCTGCAGAAGGATATGGTGGTCATGTTGCTGTCCA[T>A]GTTAGAAGGTAGTTTTGATTTATACTTTTAAATTCTCTTTATTATCTTATTTAAAGGATC-3'
Protein context (NP_001026.2, residues 3975-3995): QKDMVVMLLS[Met3985Lys]LEGNVVNGTI

ClinVar aggregate classification (germline): Uncertain significance (1 of 4 stars; one submission).

Conditions:
Catecholaminergic polymorphic ventricular tachycardia 1. Also called: VENTRICULAR TACHYCARDIA, STRESS-INDUCED POLYMORPHIC 1; RYR2-Related Catecholaminergic Polymorphic Ventricular Tachycardia; VENTRICULAR TACHYCARDIA, CATECHOLAMINERGIC POLYMORPHIC, 1, WITH OR WITHOUT ATRIAL DYSFUNCTION AND/OR DILATED CARDIOMYOPATHY. Identifiers: Orphanet 3286, MedGen C1631597, MONDO:0011484, OMIM 604772.

Submission:

Labcorp Genetics (formerly Invitae), Labcorp
Classification: Uncertain significance for Catecholaminergic polymorphic ventricular tachycardia 1. Last evaluated: 2025-07-13. Review status: criteria provided, single submitter. Criteria: Invitae Variant Classification Sherloc (09022015). Collection method: clinical testing. Allele origin: germline.
Comment: This sequence change replaces methionine, which is neutral and non-polar, with lysine, which is basic and polar, at codon 3985 of the RYR2 protein (p.Met3985Lys). This variant is not present in population databases (gnomAD no frequency). This variant has not been reported in the literature in individuals affected with RYR2-related conditions. Invitae Evidence Modeling of protein sequence and biophysical properties (such as structural, functional, and spatial information, amino acid conservation, physicochemical variation, residue mobility, and thermodynamic stability) indicates that this missense variant is expected to disrupt RYR2 protein function with a positive predictive value of 95%. In summary, the available evidence is currently insufficient to determine the role of this variant in disease. Therefore, it has been classified as a Variant of Uncertain Significance.